The following is an entry in ClinVar:

NM_025219.3(DNAJC5):c.*3670A>G

Gene: DNAJC5 (DnaJ heat shock protein family (Hsp40) member C5; plus strand). Cytogenetic location: 20q13.33.
Variant type: single nucleotide variant.
Coding change: c.*3670A>G on transcript NM_025219.3 (MANE Select); 3670 bases downstream of the stop codon, A replaced by G.
Molecular consequence: 3 prime UTR variant.
Genome position (GRCh38, 1-based): chr20:63,935,238, A>G. VCF-style: chr20-63935238-A-G. GRCh37 (hg19) VCF-style: chr20-62566591-A-G.
Identifiers: ClinVar variation 339432 (VCV000339432.6), dbSNP rs77107548, ClinGen allele CA10644426.
Genomic context (GRCh38, chr20:63,935,238, plus strand): 5'-GGTGTGTCCGTGTGTGTACATATGTGTATATGTATATATCACGCAGCAGGAGTGTCATTC[A>G]TGCTGCTGTCCCCTGGTGAAGTGACAAGTACAATTAAAGGTGGCTCTGAAATGGCCTCTG-3'

ClinVar aggregate classification (germline): Benign (1 of 4 stars; one submission).

Conditions:
Ceroid lipofuscinosis, neuronal, 4 (Kufs type) (CLN4). Also called: Neuronal ceroid lipofuscinosis 4B; Ceroid lipofuscinosis, neuronal, 4, Parry type. Identifiers: Orphanet 228343, Orphanet 79262, MedGen C1834207, MONDO:0008083, OMIM 162350.

Allele frequency attached by ClinVar (database versions not stated): gnomAD 0.01239 and 0.01329; TOPMed 0.01395.

Submission:

Illumina Laboratory Services, Illumina
Classification: Benign for Ceroid lipofuscinosis, neuronal, 4 (Kufs type). Last evaluated: 2018-01-13. Review status: criteria provided, single submitter. Criteria: ICSL Variant Classification Criteria 13 December 2019. Collection method: clinical testing. Allele origin: germline.
Comment: This variant was observed in the ICSL laboratory as part of a predisposition screen in an ostensibly healthy population. It had not been previously curated by ICSL or reported in the Human Gene Mutation Database (HGMD: prior to June 1st, 2018), and was therefore a candidate for classification through an automated scoring system. Utilizing variant allele frequency, disease prevalence and penetrance estimates, and inheritance mode, an automated score was calculated to assess if this variant is too frequent to cause the disease. Based on the score and internal cut-off values, a variant classified as benign is not then subjected to further curation. The score for this variant resulted in a classification of benign for this disease.